The following is an entry in ClinVar:

NM_000089.4(COL1A2):c.2512G>A (p.Gly838Ser)

Gene: COL1A2 (collagen type I alpha 2 chain; plus strand). Cytogenetic location: 7q21.3.
Variant type: single nucleotide variant.
Coding change: c.2512G>A on transcript NM_000089.4 (MANE Select); coding-DNA position 2512, G replaced by A.
Protein change: p.Gly838Ser; replaces glycine 838 with serine.
Molecular consequence: missense variant.
Genome position (GRCh38, 1-based): chr7:94,423,065, G>A. VCF-style: chr7-94423065-G-A. GRCh37 (hg19) VCF-style: chr7-94052377-G-A.
Other names: short protein forms G838S.
Identifiers: ClinVar variation 369668 (VCV000369668.4), dbSNP rs1057516036, ClinGen allele CA10654759.
Genomic context (GRCh38, chr7:94,423,065, plus strand): 5'-CTTCGTGGTCCTCGTGGTGACCAAGGTCCAGTTGGCCGAACTGGAGAAGTAGGTGCAGTT[G>A]GTCCCCCTGGCTTCGCTGGTGAGAAGGGTCCCTCTGGAGAGGCTGGTACTGCTGTAAGTG-3'
Protein context (NP_000080.2, residues 828-848): VGRTGEVGAV[Gly838Ser]PPGFAGEKGP

ClinVar aggregate classification (germline): Likely pathogenic. Review status: criteria provided, multiple submitters, no conflicts (2 of 4 stars). 2 submissions from 2 submitters: Likely pathogenic (2). Last evaluated 2018-03-27.

Conditions:
COL1A2-related disorder. Also called: COL1A2-related condition; COL1A2-Related Disorders.
Osteogenesis imperfecta, perinatal lethal (OI2). Also called: VROLIK TYPE OF OSTEOGENESIS IMPERFECTA; Osteogenesis imperfecta type 2; OSTEOGENESIS IMPERFECTA, TYPE II; OI, TYPE II; OSTEOGENESIS IMPERFECTA CONGENITA; Osteogenesis imperfecta, dominant perinatal lethal. Identifiers: Orphanet 216804, MedGen C0268358, MONDO:0008147, OMIM 166210.

Submissions (2):

Blueprint Genetics
Classification: Likely pathogenic for COL1A2-related disorders. Last evaluated: 2018-03-27. Review status: criteria provided, single submitter. Criteria: ACMG Guidelines, 2015. Collection method: clinical testing. Allele origin: germline. Affected: yes. Observed: 1 variant allele.

Victorian Clinical Genetics Services, Murdoch Childrens Research Institute
Classification: Likely pathogenic for Osteogenesis imperfecta, perinatal lethal. Last evaluated: 2015-06-02. Review status: criteria provided, single submitter. Criteria: ACMG Guidelines, 2015. Collection method: clinical testing. Allele origin: de novo. Inheritance: Autosomal dominant inheritance. Affected: yes. Observed: 1 variant allele.
Comment: This variant results in a substitution of a glycine to a serine at amino acid position 838, NP_000080.2(COL1A2): p.(Gly838Ser). The glycine is located in the triple helix domain and is highly conserved. This substitution is predicted to be damaging by in-silico models. Grantham score is likely damaging due to conservation and amino acid properties. This varinat is novel.

Literature cited by the submitters: PubMed 26938784 (cited by Victorian Clinical Genetics Services, Murdoch Childrens Research Institute).